The following is an entry in ClinVar:

NM_139057.4(ADAMTS17):c.1575+1G>T

Gene: ADAMTS17 (ADAM metallopeptidase with thrombospondin type 1 motif 17; minus strand). Cytogenetic location: 15q26.3.
Variant type: single nucleotide variant.
Coding change: c.1575+1G>T on transcript NM_139057.4 (MANE Select); the canonical splice donor site of the intron after coding-DNA position 1575, G replaced by T.
Molecular consequence: splice donor variant.
Genome position (GRCh38, 1-based): chr15:100,133,213, C>A on the plus strand (G>T on the coding strand, the complement: ADAMTS17 is on the minus strand). VCF-style: chr15-100133213-C-A. GRCh37 (hg19) VCF-style: chr15-100673418-C-A.
Identifiers: ClinVar variation 2073254 (VCV002073254.4), dbSNP rs755208325, ClinGen allele CA7758191.

ClinVar aggregate classification (germline): Likely pathogenic (1 of 4 stars; one submission).

Submission:

Labcorp Genetics (formerly Invitae), Labcorp
Classification: Likely pathogenic. Last evaluated: 2023-08-30. Review status: criteria provided, single submitter. Criteria: Invitae Variant Classification Sherloc (09022015). Collection method: clinical testing. Allele origin: germline.
Comment: In summary, the currently available evidence indicates that the variant is pathogenic, but additional data are needed to prove that conclusively. Therefore, this variant has been classified as Likely Pathogenic. Algorithms developed to predict the effect of sequence changes on RNA splicing suggest that this variant may disrupt the consensus splice site. ClinVar contains an entry for this variant (Variation ID: 2073254). This variant has not been reported in the literature in individuals affected with ADAMTS17-related conditions. The frequency data for this variant in the population databases is considered unreliable, as metrics indicate poor data quality at this position in the gnomAD database. This sequence change affects a donor splice site in intron 11 of the ADAMTS17 gene. It is expected to disrupt RNA splicing. Variants that disrupt the donor or acceptor splice site typically lead to a loss of protein function (PMID: 16199547), and loss-of-function variants in ADAMTS17 are known to be pathogenic (PMID: 19836009, 24940034).

Literature cited by the submitters: PubMed 16199547; PubMed 19836009; PubMed 24940034.